The following is an entry in ClinVar:

ClinVar aggregate classification (germline): Uncertain significance (1 of 4 stars; one submission).

Submission:

Labcorp Genetics (formerly Invitae), Labcorp
Classification: Uncertain significance. Last evaluated: 2023-05-08. Review status: criteria provided, single submitter. Criteria: Invitae Variant Classification Sherloc (09022015). Collection method: clinical testing. Allele origin: germline.
Comment: In summary, the available evidence is currently insufficient to determine the role of this variant in disease. Therefore, it has been classified as a Variant of Uncertain Significance. Experimental studies and prediction algorithms are not available or were not evaluated, and the functional significance of this variant is currently unknown. ClinVar contains an entry for this variant (Variation ID: 1446277). This variant has not been reported in the literature in individuals affected with TOPORS-related conditions. This variant is not present in population databases (gnomAD no frequency). This sequence change replaces serine, which is neutral and polar, with asparagine, which is neutral and polar, at codon 698 of the TOPORS protein (p.Ser698Asn).

NM_005802.5(TOPORS):c.2093G>A (p.Ser698Asn)

Gene: TOPORS (TOP1 binding arginine/serine rich protein, E3 ubiquitin ligase; minus strand). Cytogenetic location: 9p21.1.
Variant type: single nucleotide variant.
Coding change: c.2093G>A on transcript NM_005802.5 (MANE Select); coding-DNA position 2093, G replaced by A.
Protein change: p.Ser698Asn; replaces serine 698 with asparagine.
Molecular consequence: missense variant.
Genome position (GRCh38, 1-based): chr9:32,542,432, C>T on the plus strand (G>A on the coding strand, the complement: TOPORS is on the minus strand). VCF-style: chr9-32542432-C-T. GRCh37 (hg19) VCF-style: chr9-32542430-C-T.
Other names: c.1898G>A, p.Ser633Asn (NM_001195622.2); short protein forms S633N, S698N.
Identifiers: ClinVar variation 1446277 (VCV001446277.8), dbSNP rs2118966304, ClinGen allele CA373166167.